The following is an entry in ClinVar:

ClinVar aggregate classification (germline): Uncertain significance (1 of 4 stars; one submission).

Submission:

Labcorp Genetics (formerly Invitae), Labcorp
Classification: Uncertain significance. Last evaluated: 2024-02-16. Review status: criteria provided, single submitter. Criteria: Invitae Variant Classification Sherloc (09022015). Collection method: clinical testing. Allele origin: germline.
Comment: This sequence change replaces lysine, which is basic and polar, with glutamic acid, which is acidic and polar, at codon 425 of the KIF20A protein (p.Lys425Glu). This variant is not present in population databases (gnomAD no frequency). This variant has not been reported in the literature in individuals affected with KIF20A-related conditions. An algorithm developed to predict the effect of missense changes on protein structure and function (PolyPhen-2) suggests that this variant is likely to be disruptive. In summary, the available evidence is currently insufficient to determine the role of this variant in disease. Therefore, it has been classified as a Variant of Uncertain Significance.

NM_005733.3(KIF20A):c.1273A>G (p.Lys425Glu)

Gene: KIF20A (kinesin family member 20A; plus strand). Cytogenetic location: 5q31.2.
Variant type: single nucleotide variant.
Coding change: c.1273A>G on transcript NM_005733.3 (MANE Select); coding-DNA position 1273, A replaced by G.
Protein change: p.Lys425Glu; replaces lysine 425 with glutamic acid.
Molecular consequence: missense variant.
Genome position (GRCh38, 1-based): chr5:138,184,026, A>G. VCF-style: chr5-138184026-A-G. GRCh37 (hg19) VCF-style: chr5-137519715-A-G.
Other names: short protein forms K425E.
Identifiers: ClinVar variation 3692545 (VCV003692545.2).